The following is an entry in ClinVar:

ClinVar aggregate classification (germline): Uncertain significance (1 of 4 stars; one submission).

Conditions:
Cardiovascular phenotype. Identifiers: MedGen CN230736.

gnomAD v4.1: 3 of 1,613,828 alleles (0.00019%); highest among the groups gnomAD compares: Non-Finnish European, 0.00025%; no homozygotes.

Submission:

Ambry Genetics
Classification: Uncertain significance for Cardiovascular phenotype. Last evaluated: 2023-08-25. Review status: criteria provided, single submitter. Criteria: Ambry Variant Classification Scheme 2023. Collection method: clinical testing. Allele origin: germline.
Comment: The p.C410R variant (also known as c.1228T>C), located in coding exon 8 of the TBX5 gene, results from a T to C substitution at nucleotide position 1228. The cysteine at codon 410 is replaced by arginine, an amino acid with highly dissimilar properties. This amino acid position is conserved. In addition, this alteration is predicted to be deleterious by in silico analysis. Since supporting evidence is limited at this time, the clinical significance of this alteration remains unclear.

NM_181486.4(TBX5):c.1228T>C (p.Cys410Arg)

Gene: TBX5 (T-box transcription factor 5; minus strand). Cytogenetic location: 12q24.21.
Variant type: single nucleotide variant.
Coding change: c.1228T>C on transcript NM_181486.4 (MANE Select); coding-DNA position 1228, T replaced by C.
Protein change: p.Cys410Arg; replaces cysteine 410 with arginine.
Molecular consequence: missense variant.
Genome position (GRCh38, 1-based): chr12:114,355,861, A>G on the plus strand (T>C on the coding strand, the complement: TBX5 is on the minus strand). VCF-style: chr12-114355861-A-G. GRCh37 (hg19) VCF-style: chr12-114793666-A-G.
Other names: c.1228T>C, p.Cys410Arg (NM_000192.3); c.1078T>C, p.Cys360Arg (NM_080717.4); short protein forms C360R, C410R.
Identifiers: ClinVar variation 2621193 (VCV002621193.2), dbSNP rs2540425104, ClinGen allele CA386925506.